The following is an entry in ClinVar:

NM_001122955.4(BSCL2):c.88-662C>A

Genes: BSCL2 (BSCL2 lipid droplet biogenesis associated, seipin; minus strand), HNRNPUL2-BSCL2 (HNRNPUL2-BSCL2 readthrough (NMD candidate); minus strand). Cytogenetic location: 11q12.3.
Variant type: single nucleotide variant.
Coding change: c.88-662C>A on transcript NM_001122955.4 (MANE Select); 662 bases into the intron before coding-DNA position 88, C replaced by A.
Molecular consequence: intron variant. On other transcripts: 5 prime UTR variant (2).
Genome position (GRCh38, 1-based): chr11:62,706,279, G>T on the plus strand (C>A on the coding strand, the complement: BSCL2 is on the minus strand). VCF-style: chr11-62706279-G-T. GRCh37 (hg19) VCF-style: chr11-62473751-G-T.
Other names: c.-182C>A (NM_001130702.2, NM_032667.6); c.88-662C>A (NM_001386028.1, NM_001386027.1).
Identifiers: ClinVar variation 305189 (VCV000305189.10), dbSNP rs117597269, ClinGen allele CA10635198.
Genomic context (GRCh38, chr11:62,706,279, plus strand): 5'-GGAAACCAGCCCGCCGGCTGCCACAGGGCTGCCGACTCACCAGCCTCGCGCGCTGCCAGG[G>T]CAACCGTGAGACGGGACTTCCGGCTCCCGGGGAAGTCCCGCCCCTCTCCGCCGGCCGCTT-3'

ClinVar aggregate classification (germline): Conflicting classifications of pathogenicity. Review status: criteria provided, conflicting classifications (1 of 4 stars). 4 submissions from 3 submitters: Uncertain significance (1); Benign (1); Likely benign (2). Last evaluated 2021-05-15.

Conditions:
Hereditary spastic paraplegia. Also called: Familial spastic paraparesis. Identifiers: Orphanet 685, MedGen C0037773, MONDO:0019064. Disease mechanism: loss of function.
Congenital generalized lipodystrophy type 2 (CGL2). Also called: BERARDINELLI SYNDROME; BRUNZELL SYNDROME, BSCL2-RELATED; SEIP SYNDROME; Berardinelli-Seip Congenital Lipodystrophy Type 2. Identifiers: Orphanet 528, Orphanet 696289, MedGen C1720863, MONDO:0010020, OMIM 269700.
Neuronopathy, distal hereditary motor, type 5A (HMND5). Also called: Distal Spinal Muscular Atrophy V; DHMN VA; Distal Spinal Muscular Atrophy V (dSMA-V); NEURONOPATHY, DISTAL HEREDITARY MOTOR, AUTOSOMAL DOMINANT 5. Identifiers: Orphanet 139536, MedGen CN031873, MONDO:0015353, OMIM 600794.

Allele frequency attached by ClinVar (database versions not stated): 1000 Genomes Project 0.00439; 1000 Genomes Project 30x 0.00515; TOPMed 0.01141; gnomAD 0.01224 and 0.01291.

Submissions (4):

GeneDx
Classification: Likely benign. Last evaluated: 2021-05-15. Review status: criteria provided, single submitter. Criteria: GeneDx Variant Classification Process June 2021. Collection method: clinical testing. Allele origin: germline. Affected: yes.

Illumina Laboratory Services, Illumina
Classification: Benign for Neuronopathy, distal hereditary motor, type 5A. Last evaluated: 2018-01-12. Review status: criteria provided, single submitter. Criteria: ICSL Variant Classification Criteria 13 December 2019. Collection method: clinical testing. Allele origin: germline.
Comment: This variant was observed in the ICSL laboratory as part of a predisposition screen in an ostensibly healthy population. It had not been previously curated by ICSL or reported in the Human Gene Mutation Database (HGMD: prior to June 1st, 2018), and was therefore a candidate for classification through an automated scoring system. Utilizing variant allele frequency, disease prevalence and penetrance estimates, and inheritance mode, an automated score was calculated to assess if this variant is too frequent to cause the disease. Based on the score and internal cut-off values, a variant classified as benign is not then subjected to further curation. The score for this variant resulted in a classification of benign for this disease.

Illumina Laboratory Services, Illumina
Classification: Likely benign for Congenital generalized lipodystrophy type 2. Last evaluated: 2018-01-12. Review status: criteria provided, single submitter. Criteria: ICSL Variant Classification Criteria 13 December 2019. Collection method: clinical testing. Allele origin: germline.
Comment: This variant was observed in the ICSL laboratory as part of a predisposition screen in an ostensibly healthy population. It had not been previously curated by ICSL or reported in the Human Gene Mutation Database (HGMD: prior to June 1st, 2018), and was therefore a candidate for classification through an automated scoring system. Utilizing variant allele frequency, disease prevalence and penetrance estimates, and inheritance mode, an automated score was calculated to assess if this variant is too frequent to cause the disease. Based on the score and internal cut-off values, a variant classified as likely benign is not then subjected to further curation. The score for this variant resulted in a classification of likely benign for this disease.

Genome Diagnostics Laboratory, The Hospital for Sick Children
Classification: Uncertain significance for Hereditary spastic paraplegia. Last evaluated: 2016-12-22. Review status: criteria provided, single submitter. Criteria: ACMG Guidelines, 2015. Collection method: clinical testing. Allele origin: germline. Affected: yes.